The following is an entry in ClinVar:

NM_001211.6(BUB1B):c.2264T>C (p.Ile755Thr)

Gene: BUB1B (BUB1 mitotic checkpoint serine/threonine kinase B; plus strand). Cytogenetic location: 15q15.1.
Variant type: single nucleotide variant.
Coding change: c.2264T>C on transcript NM_001211.6 (MANE Select); coding-DNA position 2264, T replaced by C.
Protein change: p.Ile755Thr; replaces isoleucine 755 with threonine.
Molecular consequence: missense variant.
Genome position (GRCh38, 1-based): chr15:40,209,755, T>C. VCF-style: chr15-40209755-T-C. GRCh37 (hg19) VCF-style: chr15-40501956-T-C.
Other names: short protein forms I755T.
Identifiers: ClinVar variation 2909581 (VCV002909581.4), dbSNP rs372569297, ClinGen allele CA7475993.
Genomic context (GRCh38, chr15:40,209,755, plus strand): 5'-CAGAGTTAAGTGCCTCTGCAGAGTTGTGTATAGAAGACAGACCAATGCCTAAGTTGGAAA[T>C]TGAGAAGGAAATTGAATTAGGTAAGTACCATTGAACTCATGTCCTCTGGTTCATGACAGT-3'
Protein context (NP_001202.5, residues 745-765): IEDRPMPKLE[Ile755Thr]EKEIELGNED

ClinVar aggregate classification (germline): Uncertain significance. Review status: criteria provided, multiple submitters, no conflicts (2 of 4 stars). 2 submissions from 2 submitters: Uncertain significance (2). Last evaluated 2024-02-15.

Conditions:
Inborn genetic diseases. Identifiers: MedGen C0950123, MeSH D030342.
Mosaic variegated aneuploidy syndrome 1 (MVA1). Also called: Warburton-Anyane-Yeboa syndrome. Identifiers: Orphanet 1052, MedGen C1850343, MONDO:0009759, OMIM 257300.

Allele frequency attached by ClinVar (database versions not stated): gnomAD exomes below 0.00001; ExAC 0.00002; TOPMed 0.00005; gnomAD 0.00006; ESP Exome Variant Server 0.00008.
gnomAD v4.1: 11 of 1,614,016 alleles (0.00068%); highest among the groups gnomAD compares: African/African-American, 0.015%; no homozygotes.

Submissions (2):

Labcorp Genetics (formerly Invitae), Labcorp
Classification: Uncertain significance for Mosaic variegated aneuploidy syndrome 1. Last evaluated: 2024-02-15. Review status: criteria provided, single submitter. Criteria: Invitae Variant Classification Sherloc (09022015). Collection method: clinical testing. Allele origin: germline.
Comment: This sequence change replaces isoleucine, which is neutral and non-polar, with threonine, which is neutral and polar, at codon 755 of the BUB1B protein (p.Ile755Thr). This variant is present in population databases (rs372569297, gnomAD 0.02%). This variant has not been reported in the literature in individuals affected with BUB1B-related conditions. Algorithms developed to predict the effect of missense changes on protein structure and function output the following: SIFT: "Not Available"; PolyPhen-2: "Benign"; Align-GVGD: "Not Available". The threonine amino acid residue is found in multiple mammalian species, which suggests that this missense change does not adversely affect protein function. In summary, the available evidence is currently insufficient to determine the role of this variant in disease. Therefore, it has been classified as a Variant of Uncertain Significance.

Ambry Genetics
Classification: Uncertain significance for Inborn genetic diseases. Last evaluated: 2023-12-20. Review status: criteria provided, single submitter. Criteria: Ambry Variant Classification Scheme 2023. Collection method: clinical testing. Allele origin: germline.